The following is an entry in ClinVar:

NM_001257180.2(SLC20A2):c.436T>C (p.Ser146Pro)

Gene: SLC20A2 (solute carrier family 20 member 2; minus strand). Cytogenetic location: 8p11.21.
Variant type: single nucleotide variant.
Coding change: c.436T>C on transcript NM_001257180.2 (MANE Select); coding-DNA position 436, T replaced by C.
Protein change: p.Ser146Pro; replaces serine 146 with proline.
Molecular consequence: missense variant.
Genome position (GRCh38, 1-based): chr8:42,463,085, A>G on the plus strand (T>C on the coding strand, the complement: SLC20A2 is on the minus strand). VCF-style: chr8-42463085-A-G. GRCh37 (hg19) VCF-style: chr8-42320603-A-G.
Other names: c.436T>C, p.Ser146Pro (NM_001257181.2, NM_006749.5); c.436T>C (NM_001257180.1); short protein forms S146P.
Identifiers: ClinVar variation 871562 (VCV000871562.41), dbSNP rs965924291, ClinGen allele CA175995448.

ClinVar aggregate classification (germline): Uncertain significance. Review status: criteria provided, single submitter (1 of 4 stars). 2 submissions from 2 submitters: Uncertain significance (1). 1 of the submissions does not count toward it. Last evaluated 2019-11-01.

Conditions:
SLC20A2-related disorder. Also called: SLC20A2-related condition.

Allele frequency attached by ClinVar (database versions not stated): gnomAD exomes 0.00001; TOPMed 0.00002.
gnomAD v4.1: 14 of 1,576,040 alleles (0.00089%); highest among the groups gnomAD compares: Non-Finnish European, 0.001%; no homozygotes.

Submissions (2):

CeGaT Center for Human Genetics Tuebingen
Classification: Uncertain significance. Last evaluated: 2019-11-01. Review status: criteria provided, single submitter. Criteria: CeGaT Center For Human Genetics Tuebingen Variant Classification Criteria Version 2. Collection method: clinical testing. Allele origin: germline. Affected: yes. Observed: 1 variant allele.

PreventionGenetics, part of Exact Sciences
Classification: Uncertain significance for SLC20A2-related condition. Last evaluated: 2024-06-19. Review status: no assertion criteria provided. Collection method: clinical testing. Allele origin: germline. Not counted in ClinVar's aggregate classification.
Comment: The SLC20A2 c.436T>C variant is predicted to result in the amino acid substitution p.Ser146Pro. To our knowledge, this variant has not been reported in the literature or in a large population database, indicating this variant is rare. At this time, the clinical significance of this variant is uncertain due to the absence of conclusive functional and genetic evidence.